The following is an entry in ClinVar:

ClinVar aggregate classification (germline): Pathogenic/Likely pathogenic. Review status: criteria provided, multiple submitters, no conflicts (2 of 4 stars). 5 submissions from 5 submitters: Pathogenic (4); Likely pathogenic (1). Last evaluated 2026-03-23.

Conditions:
Thrombophilia due to protein S deficiency, autosomal recessive (THPH6). Identifiers: Orphanet 743, MedGen C3281092, MONDO:0013791, OMIM 614514. Disease mechanism: loss of function.
Thrombophilia due to protein S deficiency, autosomal dominant (THPH5). Identifiers: Orphanet 26349, Orphanet 743, MedGen C3278211, MONDO:0012868, OMIM 612336. Disease mechanism: loss of function.
PROS1-related disorder. Also called: PROS1-related condition.

Submissions (5):

GeneDx
Classification: Pathogenic. Last evaluated: 2026-03-23. Review status: criteria provided, single submitter. Criteria: GeneDx Variant Classification Process June 2021. Collection method: clinical testing. Allele origin: germline.
Comment: Canonical splice site variant predicted to result in a null allele in a gene for which loss of function is a known mechanism of disease; Not observed at significant frequency in large population cohorts (gnomAD); This variant is associated with the following publications: (PMID: 34533296, 39465133, 29748776)

Labcorp Genetics (formerly Invitae), Labcorp
Classification: Pathogenic for Thrombophilia due to protein S deficiency, autosomal recessive. Last evaluated: 2025-10-29. Review status: criteria provided, single submitter. Criteria: Invitae Variant Classification Sherloc (09022015). Collection method: clinical testing. Allele origin: germline.
Comment: This sequence change affects a splice site in intron 1 of the PROS1 gene. It is expected to disrupt RNA splicing. Variants that disrupt the donor or acceptor splice site typically lead to a loss of protein function (PMID: 16199547), and loss-of-function variants in PROS1 are known to be pathogenic (PMID: 9241758). This variant is not present in population databases (gnomAD no frequency). Disruption of this splice site has been observed in individuals with protein S deficiency (PMID: 29748776, 34533296). Algorithms developed to predict the effect of sequence changes on RNA splicing suggest that this variant may disrupt the consensus splice site. For these reasons, this variant has been classified as Pathogenic.

Mayo Clinic Laboratories, Mayo Clinic
Classification: Pathogenic. Last evaluated: 2025-04-18. Review status: criteria provided, single submitter. Criteria: ACMG Guidelines, 2015. Collection method: clinical testing. Allele origin: germline. Observed: 1 variant allele.
Comment: PM2_supporting, PS4_moderate, PVS1

Blueprint Genetics
Classification: Likely pathogenic for PROS1-related disorders. Last evaluated: 2021-12-08. Review status: criteria provided, single submitter. Criteria: ACMG Guidelines, 2015. Collection method: clinical testing. Allele origin: germline. Affected: yes. Observed: 2 variant alleles.

MVZ Martinsried, Medicover Genetics
Classification: Pathogenic for Thrombophilia due to protein S deficiency, autosomal dominant. Last evaluated: 2021-10-06. Review status: criteria provided, single submitter. Criteria: ACGS Guidelines, 2020. Collection method: clinical testing. Allele origin: unknown. Affected: yes.

Literature cited by the submitters: PubMed 16199547 (cited by Labcorp Genetics (formerly Invitae), Labcorp); PubMed 9241758 (cited by Labcorp Genetics (formerly Invitae), Labcorp); PubMed 29748776 (cited by Labcorp Genetics (formerly Invitae), Labcorp and Mayo Clinic Laboratories, Mayo Clinic); PubMed 34533296 (cited by Labcorp Genetics (formerly Invitae), Labcorp and Mayo Clinic Laboratories, Mayo Clinic); PubMed 39465133 (cited by Mayo Clinic Laboratories, Mayo Clinic).

NM_000313.4(PROS1):c.76+2_76+3del

Gene: PROS1 (protein S; minus strand). Cytogenetic location: 3q11.1.
Variant type: Microsatellite.
Coding change: c.76+2_76+3del on transcript NM_000313.4 (MANE Select); the canonical splice donor site of the intron after coding-DNA position 76 through 3 bases into the intron after coding-DNA position 76, 2 bases deleted (TG; older notation c.76+2_76+3delTG).
Molecular consequence: splice donor variant.
Genome position (GRCh38, 1-based): chr3:93,973,671-93,973,672, CA deleted on the plus strand (TG on the coding strand, the reverse complement: PROS1 is on the minus strand); deleting any 2 consecutive bases within chr3:93,973,671-93,973,674 gives the same sequence; the c. name uses the placement nearest the transcript's 3' end. VCF-style (leftmost placement, unchanged base first): chr3-93973670-TCA-T. GRCh37 (hg19) VCF-style: chr3-93692514-TCA-T.
Other names: p.?; c.76+2_76+3del (NM_001314077.2).
Identifiers: ClinVar variation 1330284 (VCV001330284.5), dbSNP rs2107279030, ClinGen allele CA2580616504.
Genomic context (GRCh38, chr3:93,973,670, plus strand): 5'-ACCAGGGCACGCAGTTCAGTCGACAATGCTGGGGAAGGGAGAAGAGACGCTATTGATTAC[TCA>T]CAGTTTGCCTCTGAGACGGGAAGCACTAGGAGGAGACACGCCAGCAGCGCCCCGCAGCGC-3'